The following is an entry in ClinVar:

ClinVar aggregate classification (germline): Likely pathogenic. Review status: criteria provided, single submitter (1 of 4 stars). 2 submissions from 2 submitters: Likely pathogenic (1). 1 of the submissions does not count toward it. Last evaluated 2019-09-20.

Conditions:
Autosomal recessive nonsyndromic hearing loss 2. Also called: DEAFNESS, AUTOSOMAL RECESSIVE 2; NEUROSENSORY NONSYNDROMIC RECESSIVE DEAFNESS 2. Identifiers: Orphanet 90636, MedGen C1838701, MONDO:0010807, OMIM 600060.
Usher syndrome type 1 (USH1). Also called: RETINITIS PIGMENTOSA AND CONGENITAL DEAFNESS. Identifiers: Orphanet 231169, Orphanet 886, MedGen C1568247, MONDO:0010168, OMIM 276900.

Allele frequency attached by ClinVar (database versions not stated): gnomAD exomes below 0.00001.
gnomAD v4.1: 1 of 1,543,396 alleles (0.000065%); highest among the groups gnomAD compares: Non-Finnish European, 0.000087%; no homozygotes.

Submissions (2):

Labcorp Genetics (formerly Invitae), Labcorp
Classification: Likely pathogenic. Last evaluated: 2019-09-20. Review status: criteria provided, single submitter. Criteria: Invitae Variant Classification Sherloc (09022015). Collection method: clinical testing. Allele origin: germline.
Comment: Donor and acceptor splice site variants typically lead to a loss of protein function (PMID: 16199547), and loss-of-function variants in MYO7A are known to be pathogenic (PMID: 8900236, 25404053). Algorithms developed to predict the effect of sequence changes on RNA splicing suggest that this variant may disrupt the consensus splice site, but this prediction has not been confirmed by published transcriptional studies. This variant has not been reported in the literature in individuals with MYO7A-related conditions. ClinVar contains an entry for this variant (Variation ID: 555808). This variant is not present in population databases (ExAC no frequency). This sequence change affects an acceptor splice site in intron 28 of the MYO7A gene. It is expected to disrupt RNA splicing and likely results in an absent or disrupted protein product. In summary, the currently available evidence indicates that the variant is pathogenic, but additional data are needed to prove that conclusively. Therefore, this variant has been classified as Likely Pathogenic.

Counsyl
Classification: Likely pathogenic for Usher syndrome type 1; Autosomal recessive nonsyndromic hearing loss 2. Last evaluated: 2017-12-22. Review status: no assertion criteria provided. Collection method: clinical testing. Allele origin: unknown. Not counted in ClinVar's aggregate classification.

Literature cited by the submitters: PubMed 16199547 (cited by Labcorp Genetics (formerly Invitae), Labcorp); PubMed 8900236 (cited by Labcorp Genetics (formerly Invitae), Labcorp); PubMed 25404053 (cited by Labcorp Genetics (formerly Invitae), Labcorp).

NM_000260.4(MYO7A):c.3631-1G>C

Gene: MYO7A (myosin VIIA; plus strand). Cytogenetic location: 11q13.5.
Variant type: single nucleotide variant.
Coding change: c.3631-1G>C on transcript NM_000260.4 (MANE Select); the canonical splice acceptor site of the intron before coding-DNA position 3631, G replaced by C.
Molecular consequence: splice acceptor variant.
Genome position (GRCh38, 1-based): chr11:77,190,019, G>C. VCF-style: chr11-77190019-G-C. GRCh37 (hg19) VCF-style: chr11-76901064-G-C.
Other names: c.3598-1G>C (NM_001369365.1); c.3631-1G>C (NM_001127180.2).
Identifiers: ClinVar variation 555808 (VCV000555808.10), dbSNP rs1555090885, ClinGen allele CA381947101.
Genomic context (GRCh38, chr11:77,190,019, plus strand): 5'-CTGCCCTCAAAATCCACATGGGGAGCCCCAGGGGCCGCCTCAGCGGGTACTCTGGCTGCA[G>C]TACCTGCGGAACTTCATCCACGGGGGCCCGCCCGGCTACGCCCCGTACTGTGAGGAGCGC-3'